The following is an entry in ClinVar:

NM_001018115.3(FANCD2):c.3654A>G (p.Ala1218=)

Genes: FANCD2 (FA complementation group D2; plus strand), FANCD2OS (FANCD2 opposite strand; minus strand). Cytogenetic location: 3p25.3.
Variant type: single nucleotide variant.
Coding change: c.3654A>G on transcript NM_001018115.3 (MANE Select); coding-DNA position 3654, A replaced by G.
Protein change: p.Ala1218=; no amino-acid change (alanine 1218 retained).
Molecular consequence: synonymous variant. On other transcripts: intron variant (1).
Genome position (GRCh38, 1-based): chr3:10,088,921, A>G. VCF-style: chr3-10088921-A-G. GRCh37 (hg19) VCF-style: chr3-10130605-A-G.
Other names: c.3654A>G, p.Ala1218= (NM_001374254.1, NM_033084.6, NM_001319984.2); c.*44-7390T>C (NM_173472.2); c.3543A>G, p.Ala1181= (NM_001374253.1).
Identifiers: ClinVar variation 1156230 (VCV001156230.32), dbSNP rs556548817, ClinGen allele CA2250467.
Genomic context (GRCh38, chr3:10,088,921, plus strand): 5'-GGCCATAGAGGAGATTGCTGGTGTTGGTGTCCCAGAACTGATCAACTCTCCTAAAGATGC[A>G]TCTTCCTCCACATTCCCTACACTGACCAGGTAAGGGAGTTCTTTCCTCCAGTTTTTCCCT-3'
Protein context (NP_001018125.1, residues 1208-1228): VPELINSPKD[Ala1218=]SSSTFPTLTR

ClinVar aggregate classification (germline): Likely benign. Review status: criteria provided, multiple submitters, no conflicts (2 of 4 stars). 3 submissions from 3 submitters: Likely benign (3). Last evaluated 2026-01-27.

Conditions:
Fanconi anemia (FA). Also called: Fanconi's anemia. Identifiers: Orphanet 84, MedGen C0015625, MeSH D005199, MONDO:0019391.

Allele frequency attached by ClinVar (database versions not stated): gnomAD exomes 0.00011 and 0.00022; ExAC 0.00025; 1000 Genomes Project 30x 0.00062; 1000 Genomes Project 0.00040; gnomAD 0.00006; TOPMed 0.00003.
gnomAD v4.1: 171 of 1,614,082 alleles (0.011%); highest among the groups gnomAD compares: South Asian, 0.17%; no homozygotes.

Submissions (3):

Labcorp Genetics (formerly Invitae), Labcorp
Classification: Likely benign for Fanconi anemia. Last evaluated: 2026-01-27. Review status: criteria provided, single submitter. Criteria: Invitae Variant Classification Sherloc (09022015). Collection method: clinical testing. Allele origin: germline.

Blueprint Genetics
Classification: Likely benign. Last evaluated: 2024-09-06. Review status: criteria provided, single submitter. Criteria: ACMG Guidelines, 2015. Collection method: clinical testing. Allele origin: germline.

CeGaT Center for Human Genetics Tuebingen
Classification: Likely benign. Last evaluated: 2023-03-01. Review status: criteria provided, single submitter. Criteria: CeGaT Center For Human Genetics Tuebingen Variant Classification Criteria Version 2. Collection method: clinical testing. Allele origin: germline. Affected: yes. Observed: 1 variant allele.
Comment: FANCD2: BP4, BP7